The following is an entry in ClinVar:

ClinVar aggregate classification (germline): Uncertain significance (1 of 4 stars; one submission).

Conditions:
ALG8 congenital disorder of glycosylation. Also called: CONGENITAL DISORDER OF GLYCOSYLATION, TYPE Ih; ALG8-CDG; CDG Ih. Identifiers: Orphanet 79325, MedGen C2931002, MONDO:0011969, OMIM 608104.

Allele frequency attached by ClinVar (database versions not stated): gnomAD exomes below 0.00001 and 0.00001; ExAC 0.00001.
gnomAD v4.1: 3 of 1,613,920 alleles (0.00019%); highest among the groups gnomAD compares: East Asian, 0.0022%; no homozygotes.

Submission:

Labcorp Genetics (formerly Invitae), Labcorp
Classification: Uncertain significance for ALG8 congenital disorder of glycosylation. Last evaluated: 2020-07-03. Review status: criteria provided, single submitter. Criteria: Invitae Variant Classification Sherloc (09022015). Collection method: clinical testing. Allele origin: germline.
Comment: In summary, the available evidence is currently insufficient to determine the role of this variant in disease. Therefore, it has been classified as a Variant of Uncertain Significance. Algorithms developed to predict the effect of missense changes on protein structure and function (SIFT, PolyPhen-2, Align-GVGD) all suggest that this variant is likely to be tolerated, but these predictions have not been confirmed by published functional studies and their clinical significance is uncertain. This variant has not been reported in the literature in individuals with ALG8-related conditions. This variant is present in population databases (rs748027702, ExAC 0.01%). This sequence change replaces valine with leucine at codon 147 of the ALG8 protein (p.Val147Leu). The valine residue is highly conserved and there is a small physicochemical difference between valine and leucine.

NM_024079.5(ALG8):c.439G>T (p.Val147Leu)

Gene: ALG8 (ALG8 alpha-1,3-glucosyltransferase; minus strand). Cytogenetic location: 11q14.1.
Variant type: single nucleotide variant.
Coding change: c.439G>T on transcript NM_024079.5 (MANE Select); coding-DNA position 439, G replaced by T.
Protein change: p.Val147Leu; replaces valine 147 with leucine.
Molecular consequence: missense variant.
Genome position (GRCh38, 1-based): chr11:78,121,104, C>A on the plus strand (G>T on the coding strand, the complement: ALG8 is on the minus strand). VCF-style: chr11-78121104-C-A. GRCh37 (hg19) VCF-style: chr11-77832150-C-A.
Other names: c.439G>T, p.Val147Leu (NM_001007027.3); short protein forms V147L.
Identifiers: ClinVar variation 1039693 (VCV001039693.8), dbSNP rs748027702, ClinGen allele CA6203484.